The following is an entry in ClinVar:

ClinVar aggregate classification (germline): Uncertain significance (1 of 4 stars; one submission).

Conditions:
Hereditary cancer-predisposing syndrome. Also called: Neoplastic Syndromes, Hereditary; Tumor predisposition; Hereditary Cancer Syndrome; Hereditary neoplastic syndrome. Identifiers: Orphanet 140162, MedGen C0027672, MeSH D009386, MONDO:0015356.

Submission:

Ambry Genetics
Classification: Uncertain significance for Hereditary cancer-predisposing syndrome. Last evaluated: 2025-10-10. Review status: criteria provided, single submitter. Criteria: Ambry Variant Classification Scheme 2023. Collection method: clinical testing. Allele origin: germline.
Comment: The p.H2093N variant (also known as c.6277C>A), located in coding exon 10 of the BRCA2 gene, results from a C to A substitution at nucleotide position 6277. The histidine at codon 2093 is replaced by asparagine, an amino acid with similar properties. This amino acid position is conserved. In addition, this alteration is predicted to be tolerated by in silico analysis. Based on the available evidence, the clinical significance of this variant remains unclear.

NM_000059.4(BRCA2):c.6277C>A (p.His2093Asn)

Gene: BRCA2 (BRCA2 DNA repair associated; plus strand). Cytogenetic location: 13q13.1.
Variant type: single nucleotide variant.
Coding change: c.6277C>A on transcript NM_000059.4 (MANE Select); coding-DNA position 6277, C replaced by A.
Protein change: p.His2093Asn; replaces histidine 2093 with asparagine.
Molecular consequence: missense variant. On other transcripts: non-coding transcript variant (1), intron variant (2).
Genome position (GRCh38, 1-based): chr13:32,340,632, C>A. VCF-style: chr13-32340632-C-A. GRCh37 (hg19) VCF-style: chr13-32914769-C-A.
Other names: c.6277C>A, p.His2093Asn (NM_001406719.1, NM_001406720.1, NM_001432077.1); c.1910-3926C>A (NM_001406721.1); c.425-3926C>A (NM_001406722.1); short protein forms H2093N.
Identifiers: ClinVar variation 4628805 (VCV004628805.1).
Genomic context (GRCh38, chr13:32,340,632, plus strand): 5'-TTACACAAAGTTAAGGGAGTGTTAGAGGAATTTGATTTAATCAGAACTGAGCATAGTCTT[C>A]ACTATTCACCTACGTCTAGACAAAATGTATCAAAAATACTTCCTCGTGTTGATAAGAGAA-3'
Protein context (NP_000050.3, residues 2083-2103): FDLIRTEHSL[His2093Asn]YSPTSRQNVS